The following is an entry in ClinVar:

ClinVar aggregate classification (germline): Uncertain significance (1 of 4 stars; one submission).

Conditions:
Alstrom syndrome (ALMS). Identifiers: Orphanet 64, MedGen C0268425, MONDO:0008763, OMIM 203800.

gnomAD v4.1: 1 of 1,613,058 alleles (0.000062%); no homozygotes.

Submission:

Labcorp Genetics (formerly Invitae), Labcorp
Classification: Uncertain significance for Alstrom syndrome. Last evaluated: 2022-06-23. Review status: criteria provided, single submitter. Criteria: Invitae Variant Classification Sherloc (09022015). Collection method: clinical testing. Allele origin: germline.
Comment: This sequence change replaces serine, which is neutral and polar, with arginine, which is basic and polar, at codon 3781 of the ALMS1 protein (p.Ser3781Arg). This variant is not present in population databases (gnomAD no frequency). This variant has not been reported in the literature in individuals affected with ALMS1-related conditions. Experimental studies and prediction algorithms are not available or were not evaluated, and the functional significance of this variant is currently unknown. In summary, the available evidence is currently insufficient to determine the role of this variant in disease. Therefore, it has been classified as a Variant of Uncertain Significance.

NM_001378454.1(ALMS1):c.11340C>A (p.Ser3780Arg)

Gene: ALMS1 (ALMS1 centrosome and basal body associated protein; plus strand). Cytogenetic location: 2p13.1.
Variant type: single nucleotide variant.
Coding change: c.11340C>A on transcript NM_001378454.1 (MANE Select); coding-DNA position 11340, C replaced by A.
Protein change: p.Ser3780Arg; replaces serine 3780 with arginine.
Molecular consequence: missense variant.
Genome position (GRCh38, 1-based): chr2:73,573,217, C>A. VCF-style: chr2-73573217-C-A. GRCh37 (hg19) VCF-style: chr2-73800344-C-A.
Other names: c.11343C>A, p.Ser3781Arg (NM_015120.4); short protein forms S3781R, S3780R.
Identifiers: ClinVar variation 1466981 (VCV001466981.5), dbSNP rs2104107651, ClinGen allele CA347289164.